The following is an entry in ClinVar:

NM_001130987.2(DYSF):c.1985-116T>C

Gene: DYSF (dysferlin; plus strand). Cytogenetic location: 2p13.2.
Variant type: single nucleotide variant.
Coding change: c.1985-116T>C on transcript NM_001130987.2 (MANE Select); 116 bases into the intron before coding-DNA position 1985, T replaced by C.
Molecular consequence: intron variant.
Genome position (GRCh38, 1-based): chr2:71,553,691, T>C. VCF-style: chr2-71553691-T-C. GRCh37 (hg19) VCF-style: chr2-71780821-T-C.
Other names: c.2024-116T>C (NM_001130979.2); c.1982-116T>C (NM_001130981.2, NM_001130980.2); c.1931-116T>C (NM_001130978.2, NM_003494.4); c.1889-116T>C (NM_001130977.2, NM_001130976.2); c.2027-116T>C (NM_001130982.2); c.1985-116T>C (NM_001130985.2); c.1934-116T>C (NM_001130983.2, NM_001130455.2); c.1892-116T>C (NM_001130984.2, NM_001130986.2).
Identifiers: ClinVar variation 679422 (VCV000679422.5), dbSNP rs2303597, ClinGen allele CA11118028.

ClinVar aggregate classification (germline): Benign. Review status: criteria provided, multiple submitters, no conflicts (2 of 4 stars). 3 submissions from 3 submitters: Benign (3). Last evaluated 2021-06-10.

Conditions:
Miyoshi muscular dystrophy 1 (MMD1). Identifiers: Orphanet 45448, MedGen C4551973, MONDO:0024545, OMIM 254130.

Allele frequency attached by ClinVar (database versions not stated): 1000 Genomes Project 0.59046; 1000 Genomes Project 30x 0.60072; gnomAD exomes 0.67506; gnomAD 0.71047 and 0.72705; TOPMed 0.71153.
gnomAD v4.1: 856,859 of 1,262,774 alleles (68%); highest among the groups gnomAD compares: African/African-American, 85%; 301,848 homozygotes.

Submissions (3):

Genome-Nilou Lab
Classification: Benign for Miyoshi muscular dystrophy 1. Last evaluated: 2021-06-10. Review status: criteria provided, single submitter. Criteria: ACMG Guidelines, 2015. Collection method: clinical testing. Allele origin: germline. Affected: no.

GeneDx
Classification: Benign. Last evaluated: 2018-06-14. Review status: criteria provided, single submitter. Criteria: GeneDx Variant Classification (06012015). Collection method: clinical testing. Allele origin: germline. Affected: yes.
Comment: This variant is considered likely benign or benign based on one or more of the following criteria: it is a conservative change, it occurs at a poorly conserved position in the protein, it is predicted to be benign by multiple in silico algorithms, and/or has population frequency not consistent with disease.

Breakthrough Genomics
Classification: Benign. Review status: criteria provided, single submitter. Criteria: ACMG Guidelines, 2015. Collection method: not provided. Allele origin: germline. Inheritance: Autosomal recessive inheritance. Affected: yes.